The following is an entry in ClinVar:

ClinVar aggregate classification (germline): Conflicting classifications of pathogenicity. Review status: criteria provided, conflicting classifications (1 of 4 stars). 5 submissions from 5 submitters: Uncertain significance (1); Likely benign (4). Last evaluated 2025-12-10.

Conditions:
Cardiovascular phenotype. Identifiers: MedGen CN230736.
Autosomal recessive limb-girdle muscular dystrophy type 2J (LGMDR10). Also called: Limb-girdle muscular dystrophy, type 2J; MUSCULAR DYSTROPHY, LIMB-GIRDLE, AUTOSOMAL RECESSIVE 10. Identifiers: Orphanet 140922, MedGen C1837342, MONDO:0012127, OMIM 608807.
Dilated cardiomyopathy 1G (CMD1G). Identifiers: Orphanet 154, MedGen C1858763, MONDO:0011400, OMIM 604145.

Allele frequency attached by ClinVar (database versions not stated): gnomAD 0.00001; gnomAD exomes 0.00001 and 0.00002; ExAC 0.00002; ESP Exome Variant Server 0.00008; TOPMed 0.00004.
gnomAD v4.1: 14 of 1,613,672 alleles (0.00087%); highest among the groups gnomAD compares: Non-Finnish European, 0.0011%; no homozygotes.

Submissions (5):

Labcorp Genetics (formerly Invitae), Labcorp
Classification: Likely benign for Dilated cardiomyopathy 1G; Autosomal recessive limb-girdle muscular dystrophy type 2J. Last evaluated: 2025-12-10. Review status: criteria provided, single submitter. Criteria: Invitae Variant Classification Sherloc (09022015). Collection method: clinical testing. Allele origin: germline.

Blueprint Genetics
Classification: Likely benign. Last evaluated: 2024-11-13. Review status: criteria provided, single submitter. Criteria: ACMG Guidelines, 2015. Collection method: clinical testing. Allele origin: germline.

Ambry Genetics
Classification: Likely benign for Cardiovascular phenotype. Last evaluated: 2022-12-09. Review status: criteria provided, single submitter. Criteria: Ambry Variant Classification Scheme 2023. Collection method: clinical testing. Allele origin: germline.

Eurofins Ntd Llc (ga)
Classification: Uncertain significance. Last evaluated: 2017-03-13. Review status: criteria provided, single submitter. Criteria: EGL Classification Definitions 2015. Collection method: clinical testing. Allele origin: germline. Observed: 1 variant allele, 1 heterozygote.

Laboratory for Molecular Medicine, Mass General Brigham Personalized Medicine
Classification: Likely benign. Last evaluated: 2013-10-29. Review status: criteria provided, single submitter. Criteria: LMM Criteria. Collection method: clinical testing. Allele origin: germline. Observed: 2 variant alleles.
Comment: Tyr26547Tyr in exon 277 of TTN: This variant is not expected to have clinical si gnificance because it does not alter an amino acid residue and is not located wi thin the splice consensus sequence. It has been identified in 1/8264 European Am erican chromosomes by the NHLBI Exome Sequencing Project (rs369444690). Tyr26547Tyr in exon 277 of TTN (rs369444690; allele f requency = 1/8264) **

NM_001267550.2(TTN):c.87345T>C (p.Tyr29115=)

Genes: TTN-AS1 (TTN antisense RNA 1; plus strand), TTN (titin; minus strand). Cytogenetic location: 2q31.2.
Variant type: single nucleotide variant.
Coding change: c.87345T>C on transcript NM_001267550.2 (MANE Select); coding-DNA position 87345, T replaced by C.
Protein change: p.Tyr29115=; no amino-acid change (tyrosine 29115 retained).
Molecular consequence: synonymous variant.
Genome position (GRCh38, 1-based): chr2:178,558,009, A>G on the plus strand (T>C on the coding strand, the complement: TTN is on the minus strand). VCF-style: chr2-178558009-A-G. GRCh37 (hg19) VCF-style: chr2-179422736-A-G.
Other names: c.79641T>C, p.Tyr26547= (NM_133378.4); c.82422T>C, p.Tyr27474= (NM_001256850.1); c.60150T>C, p.Tyr20050= (NM_003319.4); c.60525T>C, p.Tyr20175= (NM_133432.3); c.60726T>C, p.Tyr20242= (NM_133437.4).
Identifiers: ClinVar variation 47462 (VCV000047462.22), dbSNP rs369444690, ClinGen allele CA141075.